The following is an entry in ClinVar:

NM_006421.5(ARFGEF1):c.3472A>G (p.Thr1158Ala)

Gene: ARFGEF1 (ARF guanine nucleotide exchange factor 1; minus strand). Cytogenetic location: 8q13.2.
Variant type: single nucleotide variant.
Coding change: c.3472A>G on transcript NM_006421.5 (MANE Select); coding-DNA position 3472, A replaced by G.
Protein change: p.Thr1158Ala; replaces threonine 1158 with alanine.
Molecular consequence: missense variant. On other transcripts: non-coding transcript variant (1).
Genome position (GRCh38, 1-based): chr8:67,228,082, T>C on the plus strand (A>G on the coding strand, the complement: ARFGEF1 is on the minus strand). VCF-style: chr8-67228082-T-C. GRCh37 (hg19) VCF-style: chr8-68140317-T-C.
Other names: c.3472A>G, p.Thr1158Ala (NM_001413184.1, NM_001413185.1, NM_001413186.1 and 6 more transcripts); c.2872A>G, p.Thr958Ala (NM_001413188.1, NM_001413193.1, NM_001413197.1); c.3466A>G, p.Thr1156Ala (NM_001413190.1); c.2047A>G, p.Thr683Ala (NM_001413196.1); short protein forms T1156A, T1158A, T683A, T958A.
Identifiers: ClinVar variation 3906384 (VCV003906384.1).

ClinVar aggregate classification (germline): Uncertain significance (1 of 4 stars; one submission).

Submission:

GeneDx
Classification: Uncertain significance. Last evaluated: 2024-12-23. Review status: criteria provided, single submitter. Criteria: GeneDx Variant Classification Process June 2021. Collection method: clinical testing. Allele origin: germline. Affected: yes.
Comment: Not observed at significant frequency in large population cohorts (gnomAD); In silico analysis indicates that this missense variant does not alter protein structure/function; Has not been previously published as pathogenic or benign to our knowledge